The following is an entry in ClinVar:

NM_001372044.2(SHANK3):c.1619G>A (p.Arg540Gln)

Gene: SHANK3 (SH3 and multiple ankyrin repeat domains 3; plus strand). Cytogenetic location: 22q13.33.
Variant type: single nucleotide variant.
Coding change: c.1619G>A on transcript NM_001372044.2 (MANE Select); coding-DNA position 1619, G replaced by A.
Protein change: p.Arg540Gln; replaces arginine 540 with glutamine.
Molecular consequence: missense variant.
Genome position (GRCh38, 1-based): chr22:50,697,611, G>A. VCF-style: chr22-50697611-G-A. GRCh37 (hg19) VCF-style: chr22-51136039-G-A.
Other names: short protein forms R540Q.
Identifiers: ClinVar variation 5040432 (VCV005040432.1).

ClinVar aggregate classification (germline): Uncertain significance (1 of 4 stars; one submission).

Submission:

CeGaT Center for Human Genetics Tuebingen
Classification: Uncertain significance. Last evaluated: 2026-08-01. Review status: criteria provided, single submitter. Criteria: CeGaT Center For Human Genetics Tuebingen Variant Classification Criteria Version 2. Collection method: clinical testing. Allele origin: germline. Affected: yes. Observed: 1 variant allele.
Comment: SHANK3: PM2